The following is an entry in ClinVar:

ClinVar aggregate classification (germline): Uncertain significance (1 of 4 stars; one submission).

Submission:

GeneDx
Classification: Uncertain significance. Last evaluated: 2024-10-31. Review status: criteria provided, single submitter. Criteria: GeneDx Variant Classification Process June 2021. Collection method: clinical testing. Allele origin: germline. Affected: yes.
Comment: Not observed at significant frequency in large population cohorts (gnomAD); Frameshift variant predicted to result in protein truncation or nonsense mediated decay in a gene or region of a gene for which loss of function is not a well-established mechanism of disease; Has not been previously published as pathogenic or benign to our knowledge.

NM_020928.2(ZSWIM6):c.2303_2304dup (p.Phe769fs)

Gene: ZSWIM6 (zinc finger SWIM-type containing 6; plus strand). Cytogenetic location: 5q12.1.
Variant type: Microsatellite.
Coding change: c.2303_2304dup on transcript NM_020928.2 (MANE Select); coding-DNA positions 2303 to 2304, 2 bases duplicated (CA; older notation c.2303_2304dupCA).
Protein change: p.Phe769fs; shifts the reading frame from phenylalanine 769.
Molecular consequence: frameshift variant.
Genome position (GRCh38, 1-based): chr5:61,535,541-61,535,542, CA duplicated; duplicating any 2 consecutive bases within chr5:61,535,537-61,535,542 gives the same sequence; the c. name uses the placement nearest the transcript's 3' end. VCF-style (leftmost placement, unchanged base first): chr5-61535536-G-GCA. GRCh37 (hg19) VCF-style: chr5-60831363-G-GCA.
Other names: short protein forms F769fs.
Identifiers: ClinVar variation 3897253 (VCV003897253.1).